The following is an entry in ClinVar:

ClinVar aggregate classification (germline): Benign (1 of 4 stars; one submission).

Allele frequency attached by ClinVar (database versions not stated): 1000 Genomes Project 30x 0.48641; 1000 Genomes Project 0.48742; TOPMed 0.59933; gnomAD exomes 0.69776.
gnomAD v4.1: 94,354 of 152,302 alleles (62%); highest among the groups gnomAD compares: Non-Finnish European, 76%; 31,481 homozygotes.

Submission:

Unidad de Genómica Garrahan, Hospital de Pediatría Garrahan
Classification: Benign. Last evaluated: 2024-01-24. Review status: criteria provided, single submitter. Criteria: ACMG Guidelines, 2015. Collection method: clinical testing. Allele origin: germline. Affected: no. Observed: 55 variant alleles.
Comment: This variant is classified as Benign based on local population frequency. This variant was detected in 63% of patients studied by a panel of primary immunodeficiencies. Number of patients: 55. Only high quality variants are reported.

NM_018344.6(SLC29A3):c.610+712C>G

Gene: SLC29A3 (solute carrier family 29 member 3; plus strand). Cytogenetic location: 10q22.1.
Variant type: single nucleotide variant.
Coding change: c.610+712C>G on transcript NM_018344.6 (MANE Select); 712 bases into the intron after coding-DNA position 610, C replaced by G.
Molecular consequence: intron variant.
Genome position (GRCh38, 1-based): chr10:71,352,500, C>G. VCF-style: chr10-71352500-C-G. GRCh37 (hg19) VCF-style: chr10-73112257-C-G.
Other names: c.376+712C>G (NM_001363518.2); c.610+712C>G (NM_001174098.2).
Identifiers: ClinVar variation 2688386 (VCV002688386.2), dbSNP rs780670, ClinGen allele CA15631404.
Genomic context (GRCh38, chr10:71,352,500, plus strand): 5'-AACCAGCCTTCCTCCCTTTCCTTCCCTCCTTCTCCTATTCCTCTCCTATTTTTCCTTTTC[C>G]TTATCTTTCTTCCCCTTCTTGTCTCCTTTCCTTCCTTCTGTCTTTTCTTCCTTTCTGATT-3'